The following is an entry in ClinVar:

ClinVar aggregate classification (germline): Pathogenic (1 of 4 stars; one submission).

Submission:

Labcorp Genetics (formerly Invitae), Labcorp
Classification: Pathogenic. Last evaluated: 2021-09-29. Review status: criteria provided, single submitter. Criteria: Invitae Variant Classification Sherloc (09022015). Collection method: clinical testing. Allele origin: germline.
Comment: This sequence change creates a premature translational stop signal (p.Leu12Serfs*8) in the ATP6V1B1 gene. It is expected to result in an absent or disrupted protein product. Loss-of-function variants in ATP6V1B1 are known to be pathogenic (PMID: 9916796, 18368028). This variant is not present in population databases (ExAC no frequency). This premature translational stop signal has been observed in individual(s) with ATP6V1B1 related conditions (PMID: 23729491, 33226606). ClinVar contains an entry for this variant (Variation ID: 936069). For these reasons, this variant has been classified as Pathogenic.

Literature cited by the submitters: PubMed 9916796; PubMed 18368028; PubMed 23729491; PubMed 33226606.

NM_001692.4(ATP6V1B1):c.33del (p.Leu12fs)

Gene: ATP6V1B1 (ATPase H+ transporting V1 subunit B1; plus strand). Cytogenetic location: 2p13.3.
Variant type: Deletion.
Coding change: c.33del on transcript NM_001692.4 (MANE Select); coding-DNA position 33, one base deleted (G; older notation c.33delG).
Protein change: p.Leu12fs; shifts the reading frame from leucine 12.
Molecular consequence: frameshift variant.
Genome position (GRCh38, 1-based): chr2:70,935,987, G deleted; the last of 6 consecutive G bases (chr2:70,935,982-70,935,987); deleting any one gives the same sequence. VCF-style (leftmost placement, unchanged base first): chr2-70935981-TG-T. GRCh37 (hg19) VCF-style: chr2-71163111-TG-T.
Other names: short protein forms L12fs.
Identifiers: ClinVar variation 936069 (VCV000936069.5), dbSNP rs1679840748, ClinGen allele CA1139657066.